The following is an entry in ClinVar:

NM_016222.4(DDX41):c.64del (p.Arg22fs)

Gene: DDX41 (DEAD-box helicase 41; minus strand). Cytogenetic location: 5q35.3.
Variant type: Deletion.
Coding change: c.64del on transcript NM_016222.4 (MANE Select); coding-DNA position 64, one base deleted (C; older notation c.64delC).
Protein change: p.Arg22fs; shifts the reading frame from arginine 22.
Molecular consequence: frameshift variant. On other transcripts: 5 prime UTR variant (2).
Genome position (GRCh38, 1-based): chr5:177,516,799, G deleted on the plus strand (C on the coding strand, the reverse complement: DDX41 is on the minus strand); the first of 2 consecutive G bases (chr5:177,516,799-177,516,800); deleting either gives the same sequence. VCF-style (leftmost placement, unchanged base first): chr5-177516798-CG-C. GRCh37 (hg19) VCF-style: chr5-176943799-CG-C.
Other names: c.-592del (NM_001321732.2); c.-384del (NM_001321830.2); short protein forms R22fs.
Identifiers: ClinVar variation 3659550 (VCV003659550.2).

ClinVar aggregate classification (germline): Pathogenic (1 of 4 stars; one submission).

Submission:

Labcorp Genetics (formerly Invitae), Labcorp
Classification: Pathogenic. Last evaluated: 2024-07-15. Review status: criteria provided, single submitter. Criteria: Invitae Variant Classification Sherloc (09022015). Collection method: clinical testing. Allele origin: germline.
Comment: This sequence change creates a premature translational stop signal (p.Arg22Alafs*58) in the DDX41 gene. It is expected to result in an absent or disrupted protein product. Loss-of-function variants in DDX41 are known to be pathogenic (PMID: 26712909, 27133828). This variant is not present in population databases (gnomAD no frequency). This variant has not been reported in the literature in individuals affected with DDX41-related conditions. For these reasons, this variant has been classified as Pathogenic.

Literature cited by the submitters: PubMed 26712909; PubMed 27133828.